The following is an entry in ClinVar:

NM_020549.5(CHAT):c.417G>C (p.Leu139=)

Gene: CHAT (choline O-acetyltransferase; plus strand). Cytogenetic location: 10q11.23.
Variant type: single nucleotide variant.
Coding change: c.417G>C on transcript NM_020549.5 (MANE Select); coding-DNA position 417, G replaced by C.
Protein change: p.Leu139=; no amino-acid change (leucine 139 retained).
Molecular consequence: synonymous variant.
Genome position (GRCh38, 1-based): chr10:49,619,754, G>C. VCF-style: chr10-49619754-G-C. GRCh37 (hg19) VCF-style: chr10-50827800-G-C.
Other names: c.63G>C, p.Leu21= (NM_001142929.2, NM_001142934.2, NM_020984.4 and 2 more transcripts); c.171G>C, p.Leu57= (NM_001142933.2); c.417G>C (NM_020549.4).
Identifiers: ClinVar variation 1601205 (VCV001601205.12), dbSNP rs116390167, ClinGen allele CA5497141.

ClinVar aggregate classification (germline): Benign/Likely benign. Review status: criteria provided, multiple submitters, no conflicts (2 of 4 stars). 3 submissions from 3 submitters: Benign (1); Likely benign (1). 1 of the submissions does not count toward it. Last evaluated 2026-01-19.

Conditions:
Familial infantile myasthenia (CMS6). Also called: Congenital myasthenic syndrome type 6; MYASTHENIC SYNDROME, PRESYNAPTIC, CONGENITAL, ASSOCIATED WITH EPISODIC APNEA; MYASTHENIC SYNDROME, CONGENITAL, 6, PRESYNAPTIC. Identifiers: Orphanet 590, MedGen C0393929, MONDO:0009689, OMIM 254210.
CHAT-related disorder. Also called: CHAT-related condition.

Allele frequency attached by ClinVar (database versions not stated): gnomAD exomes 0.00004 and 0.00018; gnomAD 0.00007 and 0.00008; TOPMed 0.00009; ExAC 0.00019; 1000 Genomes Project 30x 0.00031; 1000 Genomes Project 0.00040.
gnomAD v4.1: 93 of 1,613,406 alleles (0.0058%); highest among the groups gnomAD compares: East Asian, 0.14%; no homozygotes.

Submissions (3):

Labcorp Genetics (formerly Invitae), Labcorp
Classification: Benign for Familial infantile myasthenia. Last evaluated: 2026-01-19. Review status: criteria provided, single submitter. Criteria: Invitae Variant Classification Sherloc (09022015). Collection method: clinical testing. Allele origin: germline.

Blueprint Genetics
Classification: Likely benign. Last evaluated: 2024-05-28. Review status: criteria provided, single submitter. Criteria: ACMG Guidelines, 2015. Collection method: clinical testing. Allele origin: germline.

PreventionGenetics, part of Exact Sciences
Classification: Likely benign for CHAT-related condition. Last evaluated: 2023-07-29. Review status: no assertion criteria provided. Collection method: clinical testing. Allele origin: germline. Not counted in ClinVar's aggregate classification.
Comment: This variant is classified as likely benign based on ACMG/AMP sequence variant interpretation guidelines (Richards et al. 2015 PMID: 25741868, with internal and published modifications).